The following is an entry in ClinVar:

NM_000361.3(THBD):c.118C>G (p.Pro40Ala)

Gene: THBD (thrombomodulin; minus strand). Cytogenetic location: 20p11.21.
Variant type: single nucleotide variant.
Coding change: c.118C>G on transcript NM_000361.3 (MANE Select); coding-DNA position 118, C replaced by G.
Protein change: p.Pro40Ala; replaces proline 40 with alanine.
Molecular consequence: missense variant.
Genome position (GRCh38, 1-based): chr20:23,049,387, G>C on the plus strand (C>G on the coding strand, the complement: THBD is on the minus strand). VCF-style: chr20-23049387-G-C. GRCh37 (hg19) VCF-style: chr20-23030024-G-C.
Other names: short protein forms P40A.
Identifiers: ClinVar variation 3008387 (VCV003008387.3), dbSNP rs2515205984, ClinGen allele CA408408340.

ClinVar aggregate classification (germline): Uncertain significance (1 of 4 stars; one submission).

Submission:

Labcorp Genetics (formerly Invitae), Labcorp
Classification: Uncertain significance. Last evaluated: 2023-06-13. Review status: criteria provided, single submitter. Criteria: Invitae Variant Classification Sherloc (09022015). Collection method: clinical testing. Allele origin: germline.
Comment: In summary, the available evidence is currently insufficient to determine the role of this variant in disease. Therefore, it has been classified as a Variant of Uncertain Significance. Advanced modeling of protein sequence and biophysical properties (such as structural, functional, and spatial information, amino acid conservation, physicochemical variation, residue mobility, and thermodynamic stability) performed at Invitae indicates that this missense variant is not expected to disrupt THBD protein function. This variant has not been reported in the literature in individuals affected with THBD-related conditions. This variant is not present in population databases (gnomAD no frequency). This sequence change replaces proline, which is neutral and non-polar, with alanine, which is neutral and non-polar, at codon 40 of the THBD protein (p.Pro40Ala).